The following is an entry in ClinVar:

NM_001105247.2(ARMC5):c.2073G>A (p.Pro691=)

Gene: ARMC5 (armadillo repeat containing 5; plus strand). Cytogenetic location: 16p11.2.
Variant type: single nucleotide variant.
Coding change: c.2073G>A on transcript NM_001105247.2 (MANE Select); coding-DNA position 2073, G replaced by A.
Protein change: p.Pro691=; no amino-acid change (proline 691 retained).
Molecular consequence: synonymous variant. On other transcripts: 3 prime UTR variant (1).
Genome position (GRCh38, 1-based): chr16:31,466,154, G>A. VCF-style: chr16-31466154-G-A. GRCh37 (hg19) VCF-style: chr16-31477475-G-A.
Other names: c.2358G>A, p.Pro786= (NM_001288767.2); c.2169G>A, p.Pro723= (NM_001301820.1); c.*953G>A (NM_024742.2); c.2358G>A (NM_001288767.1).
Identifiers: ClinVar variation 708824 (VCV000708824.6), dbSNP rs146763279, ClinGen allele CA8029965.

ClinVar aggregate classification (germline): Benign. Review status: criteria provided, multiple submitters, no conflicts (2 of 4 stars). 3 submissions from 3 submitters: Benign (3). Last evaluated 2026-08-17.

Conditions:
ARMC5-related disorder. Also called: ARMC5-related condition.

Allele frequency attached by ClinVar (database versions not stated): gnomAD exomes 0.00127; ExAC 0.00156; gnomAD 0.00462 and 0.00487; ESP Exome Variant Server 0.00505; 1000 Genomes Project 0.00519; 1000 Genomes Project 30x 0.00547; TOPMed 0.00550.
gnomAD v4.1: 1,483 of 1,607,958 alleles (0.092%); highest among the groups gnomAD compares: African/African-American, 1.6%; 8 homozygotes.

Submissions (3):

PreventionGenetics, part of Exact Sciences
Classification: Benign for ARMC5-related condition. Last evaluated: 2026-08-17. Review status: criteria provided, single submitter. Criteria: ACMG Guidelines, 2015. Collection method: clinical testing. Allele origin: germline.
Comment: This variant is classified as benign based on ACMG/AMP sequence variant interpretation guidelines (Richards et al. 2015 PMID: 25741868, with internal and published modifications).

Labcorp Genetics (formerly Invitae), Labcorp
Classification: Benign. Last evaluated: 2019-12-31. Review status: criteria provided, single submitter. Criteria: Invitae Variant Classification Sherloc (09022015). Collection method: clinical testing. Allele origin: germline.

Breakthrough Genomics
Classification: Benign. Review status: criteria provided, single submitter. Criteria: ACMG Guidelines, 2015. Collection method: not provided. Allele origin: germline. Inheritance: Autosomal dominant inheritance. Affected: yes.